The following is an entry in ClinVar:

ClinVar aggregate classification (germline): Uncertain significance (1 of 4 stars; one submission).

Allele frequency attached by ClinVar (database versions not stated): gnomAD exomes below 0.00001.
gnomAD v4.1: 1 of 1,614,090 alleles (0.000062%); highest among the groups gnomAD compares: East Asian, 0.0022%; no homozygotes.

Submission:

Mayo Clinic Laboratories, Mayo Clinic
Classification: Uncertain significance. Last evaluated: 2022-07-07. Review status: criteria provided, single submitter. Criteria: ACMG Guidelines, 2015. Collection method: clinical testing. Allele origin: germline. Observed: 1 variant allele.
Comment: BP4, PM2_supporting

NM_000301.5(PLG):c.1570G>A (p.Ala524Thr)

Gene: PLG (plasminogen; plus strand). Cytogenetic location: 6q26.
Variant type: single nucleotide variant.
Coding change: c.1570G>A on transcript NM_000301.5 (MANE Select); coding-DNA position 1570, G replaced by A.
Protein change: p.Ala524Thr; replaces alanine 524 with threonine.
Molecular consequence: missense variant.
Genome position (GRCh38, 1-based): chr6:160,731,876, G>A. VCF-style: chr6-160731876-G-A. GRCh37 (hg19) VCF-style: chr6-161152908-G-A.
Other names: p.Ala524Thr; short protein forms A524T.
Identifiers: ClinVar variation 2682964 (VCV002682964.1), dbSNP rs1778005702, ClinGen allele CA366364221.